The following is an entry in ClinVar:

NM_001042492.3(NF1):c.8377+20A>G

Gene: NF1 (neurofibromin 1; plus strand). Cytogenetic location: 17q11.2.
Variant type: single nucleotide variant.
Coding change: c.8377+20A>G on transcript NM_001042492.3 (MANE Select); 20 bases into the intron after coding-DNA position 8377, A replaced by G.
Molecular consequence: intron variant.
Genome position (GRCh38, 1-based): chr17:31,360,723, A>G. VCF-style: chr17-31360723-A-G. GRCh37 (hg19) VCF-style: chr17-29687741-A-G.
Other names: c.8314+20A>G (NM_000267.4).
Identifiers: ClinVar variation 507352 (VCV000507352.10), dbSNP rs201289884, ClinGen allele CA289711216.

ClinVar aggregate classification (germline): Likely benign. Review status: criteria provided, multiple submitters, no conflicts (2 of 4 stars). 4 submissions from 4 submitters: Likely benign (4). Last evaluated 2026-01-25.

Conditions:
Neurofibromatosis, type 1 (NF1). Also called: NEUROFIBROMATOSIS, TYPE I, SOMATIC; Peripheral type neurofibromatosis; Neurofibromatosis, type I; VON RECKLINGHAUSEN DISEASE. Identifiers: Orphanet 636, MedGen C0027831, MONDO:0018975, OMIM 162200. Disease mechanism: loss of function.

Allele frequency attached by ClinVar (database versions not stated): gnomAD exomes below 0.00001 and 0.00001; gnomAD 0.00001; TOPMed 0.00001; 1000 Genomes Project 30x 0.00016; 1000 Genomes Project 0.00020.
gnomAD v4.1: 21 of 1,587,692 alleles (0.0013%); highest among the groups gnomAD compares: Middle Eastern, 0.05%; no homozygotes.

Submissions (4):

Labcorp Genetics (formerly Invitae), Labcorp
Classification: Likely benign for Neurofibromatosis, type 1. Last evaluated: 2026-01-25. Review status: criteria provided, single submitter. Criteria: Invitae Variant Classification Sherloc (09022015). Collection method: clinical testing. Allele origin: germline.

Blueprint Genetics
Classification: Likely benign. Last evaluated: 2024-09-04. Review status: criteria provided, single submitter. Criteria: ACMG Guidelines, 2015. Collection method: clinical testing. Allele origin: germline.

Genome-Nilou Lab
Classification: Likely benign for Neurofibromatosis, type 1. Last evaluated: 2022-03-15. Review status: criteria provided, single submitter. Criteria: ACMG Guidelines, 2015. Collection method: clinical testing. Allele origin: germline. Affected: no.

GeneDx
Classification: Likely benign. Last evaluated: 2017-02-13. Review status: criteria provided, single submitter. Criteria: GeneDx Variant Classification (06012015). Collection method: clinical testing. Allele origin: germline. Affected: yes.
Comment: This variant is considered likely benign or benign based on one or more of the following criteria: it is a conservative change, it occurs at a poorly conserved position in the protein, it is predicted to be benign by multiple in silico algorithms, and/or has population frequency not consistent with disease.